The following is an entry in ClinVar:

ClinVar aggregate classification (germline): Uncertain significance (1 of 4 stars; one submission).

Conditions:
Alstrom syndrome (ALMS). Identifiers: Orphanet 64, MedGen C0268425, MONDO:0008763, OMIM 203800.

Submission:

Labcorp Genetics (formerly Invitae), Labcorp
Classification: Uncertain significance for Alstrom syndrome. Last evaluated: 2021-08-24. Review status: criteria provided, single submitter. Criteria: Invitae Variant Classification Sherloc (09022015). Collection method: clinical testing. Allele origin: germline.
Comment: This variant has not been reported in the literature in individuals affected with ALMS1-related conditions. This variant is not present in population databases (ExAC no frequency). This sequence change replaces glutamine with arginine at codon 873 of the ALMS1 protein (p.Gln873Arg). The glutamine residue is moderately conserved and there is a small physicochemical difference between glutamine and arginine. Experimental studies and prediction algorithms are not available or were not evaluated, and the functional significance of this variant is currently unknown. In summary, the available evidence is currently insufficient to determine the role of this variant in disease. Therefore, it has been classified as a Variant of Uncertain Significance.

NM_001378454.1(ALMS1):c.2615A>G (p.Gln872Arg)

Gene: ALMS1 (ALMS1 centrosome and basal body associated protein; plus strand). Cytogenetic location: 2p13.1.
Variant type: single nucleotide variant.
Coding change: c.2615A>G on transcript NM_001378454.1 (MANE Select); coding-DNA position 2615, A replaced by G.
Protein change: p.Gln872Arg; replaces glutamine 872 with arginine.
Molecular consequence: missense variant.
Genome position (GRCh38, 1-based): chr2:73,449,142, A>G. VCF-style: chr2-73449142-A-G. GRCh37 (hg19) VCF-style: chr2-73676269-A-G.
Other names: c.2618A>G, p.Gln873Arg (NM_015120.4); short protein forms Q873R, Q872R.
Identifiers: ClinVar variation 1462800 (VCV001462800.6), dbSNP rs2103775891, ClinGen allele CA347270741.
Genomic context (GRCh38, chr2:73,449,142, plus strand): 5'-CTGTAACCTCTACTTCCTCTGCGTCCTCTTCACTTGGAGAAAAGCCCAGTGCTTTCTATC[A>G]GCAGACCTTACCCAATAGTCATCTAACTGAAGAGGCTCTGAAAGTATCAATTGTTCCTGG-3'
Protein context (NP_001365383.1, residues 862-882): SLGEKPSAFY[Gln872Arg]QTLPNSHLTE